The following is an entry in ClinVar:

NM_001048174.2(MUTYH):c.728A>G (p.Asp243Gly)

Gene: MUTYH (mutY DNA glycosylase; minus strand). Cytogenetic location: 1p34.1.
Variant type: single nucleotide variant.
Coding change: c.728A>G on transcript NM_001048174.2 (MANE Select); coding-DNA position 728, A replaced by G.
Protein change: p.Asp243Gly; replaces aspartic acid 243 with glycine.
Molecular consequence: missense variant. On other transcripts: non-coding transcript variant (2).
Genome position (GRCh38, 1-based): chr1:45,332,287, T>C on the plus strand (A>G on the coding strand, the complement: MUTYH is on the minus strand). VCF-style: chr1-45332287-T-C. GRCh37 (hg19) VCF-style: chr1-45797959-T-C.
Other names: c.728A>G, p.Asp243Gly (NM_001048171.2, NM_001048173.2, NM_001293195.2); c.731A>G, p.Asp244Gly (NM_001048172.2); c.812A>G, p.Asp271Gly (NM_001128425.2); c.773A>G, p.Asp258Gly (NM_001293190.2); c.761A>G, p.Asp254Gly (NM_001293191.2); c.452A>G, p.Asp151Gly (NM_001293192.2, NM_001293196.2); c.383A>G, p.Asp128Gly (NM_001350650.2, NM_001350651.2); c.803A>G, p.Asp268Gly (NM_012222.3); short protein forms D271G, D243G, D244G, D258G, D268G, D151G, D254G, D128G.
Identifiers: ClinVar variation 246428 (VCV000246428.2), dbSNP rs879254255, ClinGen allele CA10584150.
Genomic context (GRCh38, chr1:45,332,287, plus strand): 5'-GTACACACTGTGGCCCCTAGCTCCATGGCTGCTTGGTTGAAATCTCCTGGCCGGGCTGGG[T>C]CCACCAGCTGCTGGGCTAGACCCCTAAAAGAAGGGAACACTGCTGTGAAGCAGAGCTCCT-3'
Protein context (NP_001041639.1, residues 233-253): QLWGLAQQLV[Asp243Gly]PARPGDFNQA

ClinVar aggregate classification (germline): Uncertain significance (1 of 4 stars; one submission).

Submission:

GeneDx
Classification: Uncertain significance. Last evaluated: 2016-02-19. Review status: criteria provided, single submitter. Criteria: GeneDx Variant Classification (06012015). Collection method: clinical testing. Allele origin: germline. Affected: yes.
Comment: This variant is denoted MUTYH c.812A>G at the cDNA level, p.Asp271Gly (D271G) at the protein level, and results in the change of an Aspartic Acid to a Glycine (GAC>GGC). This variant has not, to our knowledge, been published in the literature as pathogenic or benign. MUTYH Asp271Gly was not observed in approximately 6,500 individuals of European and African American ancestry in the NHLBI Exome Sequencing Project, suggesting it is not a common benign variant in these populations. Since Aspartic Acid and Glycine differ in polarity, charge, size or other properties, this is considered a non-conservative amino acid substitution. MUTYH Asp271Gly occurs at a position where amino acids with properties similar to Aspartic Acid are tolerated across species and is located within the FeS cluster (Ruggieri 2013). In silico analyses predict that this variant is probably damaging to protein structure and function. Based on currently available evidence, it is unclear whether MUTYH Asp271Gly is a pathogenic or benign variant. We consider it to be a variant of uncertain significance. Of note, MUTYH-Associated Polyposis (MAP) is a recessive condition associated with two pathogenic variants on opposite chromosomes in MUTYH.